The following is an entry in ClinVar:

NM_033004.4(NLRP1):c.30_61del (p.Cys11fs)

Genes: NLRP1 (NLR family pyrin domain containing 1; minus strand), LOC126862475 (CDK7 strongly-dependent group 2 enhancer GRCh37_chr17:5487167-5488366; plus strand). Cytogenetic location: 17p13.2.
Variant type: Deletion.
Coding change: c.30_61del on transcript NM_033004.4 (MANE Select); coding-DNA positions 30 to 61, 32 bases deleted.
Protein change: p.Cys11fs; shifts the reading frame from cysteine 11.
Molecular consequence: frameshift variant.
Genome position (GRCh38, 1-based): chr17:5,583,897-5,583,928, 32 bases deleted; deleting any 32 consecutive bases within chr17:5,583,897-5,583,930 gives the same sequence; the c. name uses the placement nearest the transcript's 3' end. GRCh37 (hg19): chr17:5,487,219-5,487,250.
Other names: c.30_61del, p.Cys11fs (NM_001033053.3, NM_014922.5, NM_033006.4 and 1 more transcripts); short protein forms C11fs.
Identifiers: ClinVar variation 4726967 (VCV004726967.1).
Genomic context (GRCh38, chr17:5,583,896, plus strand): 5'-GTCTCACCCGAAGAGCTCCTGGAGTGCGCTTTATTGGCGAGCAGAAGCTGGAACTCCTTC[AGCTCCTCCTTCTTCAGGAACTCCAAGTAACAG>A]GCCAGGCGGCCCCAGGCTCCGCCAGCCATCTCTGTCCCGGAGTTAAGAGGGTGTCTGGGG-3'

ClinVar aggregate classification (germline): Uncertain significance (1 of 4 stars; one submission).

Submission:

Labcorp Genetics (formerly Invitae), Labcorp
Classification: Uncertain significance. Last evaluated: 2025-09-10. Review status: criteria provided, single submitter. Criteria: Invitae Variant Classification Sherloc (09022015). Collection method: clinical testing. Allele origin: germline.
Comment: This sequence change creates a premature translational stop signal (p.Cys11Glufs*10) in the NLRP1 gene. It is expected to result in an absent or disrupted protein product. However, the current clinical and genetic evidence is not sufficient to establish whether loss-of-function variants in NLRP1 cause disease. This variant is not present in population databases (gnomAD no frequency). This variant has not been reported in the literature in individuals affected with NLRP1-related conditions. In summary, the available evidence is currently insufficient to determine the role of this variant in disease. Therefore, it has been classified as a Variant of Uncertain Significance.